The following is an entry in ClinVar:

ClinVar aggregate classification (germline): Uncertain significance (1 of 4 stars; one submission).

Conditions:
Atrioventricular septal defect 4 (AVSD4). Identifiers: MedGen C3280781, MONDO:0013747, OMIM 614430.

Allele frequency attached by ClinVar (database versions not stated): gnomAD 0.00001.
gnomAD v4.1: 1 of 1,614,088 alleles (0.000062%); highest among the groups gnomAD compares: African/African-American, 0.0013%; no homozygotes.

Submission:

Labcorp Genetics (formerly Invitae), Labcorp
Classification: Uncertain significance for Atrioventricular septal defect 4. Last evaluated: 2019-12-18. Review status: criteria provided, single submitter. Criteria: Invitae Variant Classification Sherloc (09022015). Collection method: clinical testing. Allele origin: germline.
Comment: In summary, the available evidence is currently insufficient to determine the role of this variant in disease. Therefore, it has been classified as a Variant of Uncertain Significance. Algorithms developed to predict the effect of missense changes on protein structure and function are either unavailable or do not agree on the potential impact of this missense change (SIFT: "Deleterious"; PolyPhen-2: "Possibly Damaging"; Align-GVGD: "Class C0"). This variant has not been reported in the literature in individuals with GATA4-related conditions. This variant is not present in population databases (ExAC no frequency). This sequence change replaces asparagine with histidine at codon 428 of the GATA4 protein (p.Asn428His). The asparagine residue is highly conserved and there is a small physicochemical difference between asparagine and histidine.

NM_001308093.3(GATA4):c.1285A>C (p.Asn429His)

Gene: GATA4 (GATA binding protein 4). Cytogenetic location: 8p23.1.
Variant type: single nucleotide variant.
Coding change: c.1285A>C on transcript NM_001308093.3 (MANE Select); coding-DNA position 1285, A replaced by C.
Protein change: p.Asn429His; replaces asparagine 429 with histidine.
Molecular consequence: missense variant.
Genome position (GRCh38, 1-based): chr8:11,758,428, A>C. VCF-style: chr8-11758428-A-C. GRCh37 (hg19) VCF-style: chr8-11615937-A-C.
Other names: c.664A>C, p.Asn222His (NM_001308094.2, NM_001374273.1); c.538A>C, p.Asn180His (NM_001374274.1); c.1282A>C, p.Asn428His (NM_002052.5); short protein forms N180H, N428H, N429H, N222H.
Identifiers: ClinVar variation 842052 (VCV000842052.10), dbSNP rs1286668690, ClinGen allele CA370315803.